The following is an entry in ClinVar:

ClinVar aggregate classification (germline): Uncertain significance (1 of 4 stars; one submission).

Conditions:
Congenital contractural arachnodactyly (CCA). Also called: Beals-Hecht syndrome; BEALS SYNDROME; Arthrogryposis, distal, type 9. Identifiers: Orphanet 115, MedGen C0220668, MONDO:0007363, OMIM 121050.

Submission:

Labcorp Genetics (formerly Invitae), Labcorp
Classification: Uncertain significance for Congenital contractural arachnodactyly. Last evaluated: 2025-12-22. Review status: criteria provided, single submitter. Criteria: Invitae Variant Classification Sherloc (09022015). Collection method: clinical testing. Allele origin: germline.
Comment: This sequence change creates a premature translational stop signal (p.Cys1854*) in the FBN2 gene. It is expected to result in an absent or disrupted protein product. However, the current clinical and genetic evidence is not sufficient to establish whether loss-of-function variants in FBN2 cause disease. This variant is not present in population databases (gnomAD no frequency). This variant has not been reported in the literature in individuals affected with FBN2-related conditions. In summary, the available evidence is currently insufficient to determine the role of this variant in disease. Therefore, it has been classified as a Variant of Uncertain Significance.

NM_001999.4(FBN2):c.5562C>A (p.Cys1854Ter)

Gene: FBN2 (fibrillin 2; minus strand). Cytogenetic location: 5q23.3.
Variant type: single nucleotide variant.
Coding change: c.5562C>A on transcript NM_001999.4 (MANE Select); coding-DNA position 5562, C replaced by A.
Protein change: p.Cys1854Ter; replaces cysteine 1854 with a stop codon.
Molecular consequence: nonsense.
Genome position (GRCh38, 1-based): chr5:128,305,623, G>T on the plus strand (C>A on the coding strand, the complement: FBN2 is on the minus strand). VCF-style: chr5-128305623-G-T. GRCh37 (hg19) VCF-style: chr5-127641315-G-T.
Other names: short protein forms C1854*.
Identifiers: ClinVar variation 4733874 (VCV004733874.1).